The following is an entry in ClinVar:

NM_000051.4(ATM):c.7090-4G>T

Genes: ATM (ATM serine/threonine kinase; plus strand), C11orf65 (chromosome 11 open reading frame 65; minus strand). Cytogenetic location: 11q22.3.
Variant type: single nucleotide variant.
Coding change: c.7090-4G>T on transcript NM_000051.4 (MANE Select); 4 bases into the intron before coding-DNA position 7090, G replaced by T.
Molecular consequence: intron variant.
Genome position (GRCh38, 1-based): chr11:108,329,017, G>T. VCF-style: chr11-108329017-G-T. GRCh37 (hg19) VCF-style: chr11-108199744-G-T.
Other names: c.7090-4G>T (NM_001351834.2); c.641-19946C>A (NM_001330368.2); c.*38+6203C>A (NM_001351110.2).
Identifiers: ClinVar variation 3254037 (VCV003254037.1), dbSNP rs2547246440.
Genomic context (GRCh38, chr11:108,329,017, plus strand): 5'-AGTGATTCTTTAGATGTATTTAGTATTTGTAAATATAATTTAAATTGGTTGTGTTTTCTT[G>T]AAGGCAGTAGAAGTTGCTGGAAATTATGATGGAGAAAGTAGTGATGAGCTAAGAAATGGA-3'

ClinVar aggregate classification (germline): Likely benign (1 of 4 stars; one submission).

Conditions:
Familial cancer of breast. Also called: hereditary breast carcinoma; BREAST CANCER, FAMILIAL; Hereditary breast cancer. Identifiers: Orphanet 227535, MedGen C0346153, MONDO:0016419, OMIM 114480. Disease mechanism: loss of function.

Submission:

Myriad Genetics, Inc.
Classification: Likely benign for Familial cancer of breast. Last evaluated: 2024-06-13. Review status: criteria provided, single submitter. Criteria: Myriad Autosomal Dominant, Autosomal Recessive and X-Linked Classification Criteria (2023). Collection method: clinical testing. Allele origin: unknown.
Comment: This variant is considered likely benign. This variant is intronic and is not expected to impact mRNA splicing.